The following is an entry in ClinVar:

NM_001004334.4(GPR179):c.5275G>A (p.Glu1759Lys)

Gene: GPR179 (G protein-coupled receptor 179; minus strand). Cytogenetic location: 17q12.
Variant type: single nucleotide variant.
Coding change: c.5275G>A on transcript NM_001004334.4 (MANE Select); coding-DNA position 5275, G replaced by A.
Protein change: p.Glu1759Lys; replaces glutamic acid 1759 with lysine.
Molecular consequence: missense variant.
Genome position (GRCh38, 1-based): chr17:38,328,294, C>T on the plus strand (G>A on the coding strand, the complement: GPR179 is on the minus strand). VCF-style: chr17-38328294-C-T. GRCh37 (hg19) VCF-style: chr17-36484177-C-T.
Other names: short protein forms E1759K.
Identifiers: ClinVar variation 2055554 (VCV002055554.4), dbSNP rs2512157754, ClinGen allele CA398872648.

ClinVar aggregate classification (germline): Uncertain significance (1 of 4 stars; one submission).

Submission:

Labcorp Genetics (formerly Invitae), Labcorp
Classification: Uncertain significance. Last evaluated: 2022-03-04. Review status: criteria provided, single submitter. Criteria: Invitae Variant Classification Sherloc (09022015). Collection method: clinical testing. Allele origin: germline.
Comment: In summary, the available evidence is currently insufficient to determine the role of this variant in disease. Therefore, it has been classified as a Variant of Uncertain Significance. Algorithms developed to predict the effect of missense changes on protein structure and function are either unavailable or do not agree on the potential impact of this missense change (SIFT: "Deleterious"; PolyPhen-2: "Benign"; Align-GVGD: "Class C0"). This variant has not been reported in the literature in individuals affected with GPR179-related conditions. This variant is not present in population databases (gnomAD no frequency). This sequence change replaces glutamic acid, which is acidic and polar, with lysine, which is basic and polar, at codon 1759 of the GPR179 protein (p.Glu1759Lys).